The following is an entry in ClinVar:

ClinVar aggregate classification (germline): Uncertain significance. Review status: criteria provided, multiple submitters, no conflicts (2 of 4 stars). 2 submissions from 2 submitters: Uncertain significance (2). Last evaluated 2025-04-17.

Conditions:
Limb-girdle muscular dystrophy (LGMD). Also called: Muscular Dystrophies, Limb-Girdle. Identifiers: Orphanet 263, MedGen C0686353, MeSH D049288, MONDO:0016971, HP:0006785.
Progressive sclerosing poliodystrophy (MTDPS4A). Also called: ALPERS PROGRESSIVE INFANTILE POLIODYSTROPHY; NEURONAL DEGENERATION OF CHILDHOOD WITH LIVER DISEASE, PROGRESSIVE; Mitochondrial DNA depletion syndrome 4A (Alpers type); Alpers Syndrome; ALPERS DIFFUSE DEGENERATION OF CEREBRAL GRAY MATTER WITH HEPATIC CIRRHOSIS; Alpers-Huttenlocher Syndrome. Identifiers: Orphanet 726, MedGen C0205710, MONDO:0008758, OMIM 203700.

gnomAD v4.1: 19 of 1,612,516 alleles (0.0012%); highest among the groups gnomAD compares: Non-Finnish European, 0.0016%; no homozygotes.

Submissions (2):

Labcorp Genetics (formerly Invitae), Labcorp
Classification: Uncertain significance for Progressive sclerosing poliodystrophy. Last evaluated: 2025-04-17. Review status: criteria provided, single submitter. Criteria: Invitae Variant Classification Sherloc (09022015). Collection method: clinical testing. Allele origin: germline.
Comment: This sequence change replaces serine, which is neutral and polar, with arginine, which is basic and polar, at codon 296 of the POLG protein (p.Ser296Arg). This variant is not present in population databases (gnomAD no frequency). This variant has not been reported in the literature in individuals affected with POLG-related conditions. Invitae Evidence Modeling of protein sequence and biophysical properties (such as structural, functional, and spatial information, amino acid conservation, physicochemical variation, residue mobility, and thermodynamic stability) indicates that this missense variant is expected to disrupt POLG protein function with a positive predictive value of 95%. In summary, the available evidence is currently insufficient to determine the role of this variant in disease. Therefore, it has been classified as a Variant of Uncertain Significance.

Cambridge Genomics Laboratory, East Genomic Laboratory Hub, NHS Genomic Medicine Service
Classification: Uncertain significance for Limb-girdle muscular dystrophy. Last evaluated: 2019-04-17. Review status: criteria provided, single submitter. Criteria: ACGS Best Practice Guidelines for Variant Classification in Rare Disease 2020. Collection method: clinical testing. Allele origin: germline. Affected: yes. Observed: 1 variant allele.

NM_002693.3(POLG):c.886A>C (p.Ser296Arg)

Gene: POLG (DNA polymerase gamma, catalytic subunit; minus strand). Cytogenetic location: 15q26.1.
Variant type: single nucleotide variant.
Coding change: c.886A>C on transcript NM_002693.3 (MANE Select); coding-DNA position 886, A replaced by C.
Protein change: p.Ser296Arg; replaces serine 296 with arginine.
Molecular consequence: missense variant.
Genome position (GRCh38, 1-based): chr15:89,329,080, T>G on the plus strand (A>C on the coding strand, the complement: POLG is on the minus strand). VCF-style: chr15-89329080-T-G. GRCh37 (hg19) VCF-style: chr15-89872311-T-G.
Other names: c.886A>C, p.Ser296Arg (NM_001126131.2); short protein forms S296R.
Identifiers: ClinVar variation 4072166 (VCV004072166.2).
Genomic context (GRCh38, chr15:89,329,080, plus strand): 5'-TGGCTGCTATCCACAGACTGCGCTGGAAGCTGCTTAGCCCTGAGATGGCCATGTGCATGC[T>G]CATGGTGTCCAGGAAACGCATGCGGGAACCCTGAGGAGGAGGAGGAGAAAAGGGAAGGGA-3'
Protein context (NP_002684.1, residues 286-306): GSRMRFLDTM[Ser296Arg]MHMAISGLSS